The following is an entry in ClinVar:

ClinVar aggregate classification (germline): Uncertain significance. Review status: criteria provided, multiple submitters, no conflicts (2 of 4 stars). 2 submissions from 2 submitters: Uncertain significance (2). Last evaluated 2025-04-12.

Conditions:
Imerslund-Grasbeck syndrome. Also called: PERNICIOUS ANEMIA, JUVENILE, DUE TO SELECTIVE INTESTINAL MALABSORPTION OF VITAMIN B12, WITH PROTEINURIA; ENTEROCYTE COBALAMIN MALABSORPTION; ENTEROCYTE INTRINSIC FACTOR RECEPTOR, DEFECT OF; Imerslund-Gräsbeck syndrome; Megaloblastic anemia due to inborn errors of metabolism. Identifiers: Orphanet 35858, MedGen C4551825, MONDO:0009853.
Inborn genetic diseases. Identifiers: MedGen C0950123, MeSH D030342.

Allele frequency attached by ClinVar (database versions not stated): gnomAD 0.00001; TOPMed 0.00001.
gnomAD v4.1: 25 of 1,613,868 alleles (0.0015%); highest among the groups gnomAD compares: Non-Finnish European, 0.0017%; no homozygotes.

Submissions (2):

Ambry Genetics
Classification: Uncertain significance for Inborn genetic diseases. Last evaluated: 2025-04-12. Review status: criteria provided, single submitter. Criteria: Ambry Variant Classification Scheme 2023. Collection method: clinical testing. Allele origin: germline.

Labcorp Genetics (formerly Invitae), Labcorp
Classification: Uncertain significance for Imerslund-Grasbeck syndrome. Last evaluated: 2023-08-17. Review status: criteria provided, single submitter. Criteria: Invitae Variant Classification Sherloc (09022015). Collection method: clinical testing. Allele origin: germline.
Comment: In summary, the available evidence is currently insufficient to determine the role of this variant in disease. Therefore, it has been classified as a Variant of Uncertain Significance. Advanced modeling of protein sequence and biophysical properties (such as structural, functional, and spatial information, amino acid conservation, physicochemical variation, residue mobility, and thermodynamic stability) performed at Invitae indicates that this missense variant is not expected to disrupt CUBN protein function. ClinVar contains an entry for this variant (Variation ID: 2186862). This variant has not been reported in the literature in individuals affected with CUBN-related conditions. This variant is not present in population databases (gnomAD no frequency). This sequence change replaces isoleucine, which is neutral and non-polar, with threonine, which is neutral and polar, at codon 1148 of the CUBN protein (p.Ile1148Thr).

NM_001081.4(CUBN):c.3443T>C (p.Ile1148Thr)

Gene: CUBN (cubilin; minus strand). Cytogenetic location: 10p13.
Variant type: single nucleotide variant.
Coding change: c.3443T>C on transcript NM_001081.4 (MANE Select); coding-DNA position 3443, T replaced by C.
Protein change: p.Ile1148Thr; replaces isoleucine 1148 with threonine.
Molecular consequence: missense variant.
Genome position (GRCh38, 1-based): chr10:17,045,981, A>G on the plus strand (T>C on the coding strand, the complement: CUBN is on the minus strand). VCF-style: chr10-17045981-A-G. GRCh37 (hg19) VCF-style: chr10-17087980-A-G.
Other names: short protein forms I1148T.
Identifiers: ClinVar variation 2186862 (VCV002186862.5), dbSNP rs890678461, ClinGen allele CA203604745.